The following is an entry in ClinVar:

NC_000015.10:g.(?_25360363)_(25360547_?)del

Genes: SNHG14 (small nucleolar RNA host gene 14; plus strand), UBE3A (ubiquitin protein ligase E3A; minus strand). Cytogenetic location: 15q11.2.
Variant type: Deletion.
Identifiers: ClinVar variation 583413 (VCV000583413.7).

ClinVar aggregate classification (germline): Pathogenic (1 of 4 stars; one submission).

Conditions:
Angelman syndrome (AS). Also called: HAPPY PUPPET SYNDROME. Identifiers: Orphanet 72, MedGen C0162635, MONDO:0007113, OMIM 105830. Disease mechanism: loss of function. Inheritance: AS is caused by disruption of maternally imprinted UBE3A located within the 15q11.2-q13 Angelman syndrome/Prader-Willi syndrome (AS/PWS) region., imprinting disorder.

Submission:

Labcorp Genetics (formerly Invitae), Labcorp
Classification: Pathogenic for Angelman syndrome. Last evaluated: 2018-06-19. Review status: criteria provided, single submitter. Criteria: Invitae Variant Classification Sherloc (09022015). Collection method: clinical testing. Allele origin: germline.
Comment: This variant is an out-of-frame deletion of the genomic region encompassing exon 4 of the UBE3A gene. This is expected to create a premature translational stop signal and result in an absent or disrupted protein product. A similar deletion has been observed in an individual with Angelman syndrome (PMID: 21072004). This variant is also known as deletion of exon 8 in literature. Loss-of-function variants in UBE3A are known to be pathogenic (PMID: 25212744). For these reasons, this variant has been classified as Pathogenic.

Literature cited by the submitters: PubMed 21072004; PubMed 25212744.